The following is an entry in ClinVar:

NM_004360.5(CDH1):c.350A>G (p.Asn117Ser)

Gene: CDH1 (cadherin 1; plus strand). Cytogenetic location: 16q22.1.
Variant type: single nucleotide variant.
Coding change: c.350A>G on transcript NM_004360.5 (MANE Select); coding-DNA position 350, A replaced by G.
Protein change: p.Asn117Ser; replaces asparagine 117 with serine.
Molecular consequence: missense variant. On other transcripts: 5 prime UTR variant (2).
Genome position (GRCh38, 1-based): chr16:68,801,856, A>G. VCF-style: chr16-68801856-A-G. GRCh37 (hg19) VCF-style: chr16-68835759-A-G.
Other names: c.350A>G, p.Asn117Ser (NM_001317184.2); c.-1266A>G (NM_001317185.2); c.-1470A>G (NM_001317186.2); c.350A>G (NM_004360.3); short protein forms N117S.
Identifiers: ClinVar variation 627933 (VCV000627933.15), dbSNP rs758733846, ClinGen allele CA396457441.

ClinVar aggregate classification (germline): Conflicting classifications of pathogenicity. Review status: criteria provided, conflicting classifications (1 of 4 stars). 3 submissions from 3 submitters: Uncertain significance (2); Likely benign (1). Last evaluated 2024-03-26.

Conditions:
Hereditary cancer-predisposing syndrome. Also called: Tumor predisposition; Neoplastic Syndromes, Hereditary; Hereditary Cancer Syndrome; Hereditary neoplastic syndrome. Identifiers: Orphanet 140162, MedGen C0027672, MeSH D009386, MONDO:0015356.
Hereditary diffuse gastric adenocarcinoma (HDGC). Also called: DIFFUSE GASTRIC AND LOBULAR BREAST CANCER SYNDROME. Identifiers: Orphanet 26106, MedGen C1708349, MONDO:0007648, OMIM 137215.

Submissions (3):

Ambry Genetics
Classification: Likely benign for Hereditary cancer-predisposing syndrome. Last evaluated: 2024-03-26. Review status: criteria provided, single submitter. Criteria: Ambry Variant Classification Scheme 2023. Collection method: clinical testing. Allele origin: germline.

Color Diagnostics, LLC DBA Color Health
Classification: Uncertain significance for Hereditary cancer-predisposing syndrome. Last evaluated: 2023-12-05. Review status: criteria provided, single submitter. Criteria: ACMG Guidelines, 2015. Collection method: clinical testing. Allele origin: germline.
Comment: This missense variant replaces asparagine with serine at codon 117 of the CDH1 protein. To our knowledge, functional studies have not been reported for this variant. This variant has not been reported in individuals affected with CDH1-related disorders in the literature. This variant has not been identified in the general population by the Genome Aggregation Database (gnomAD). The available evidence is insufficient to determine the role of this variant in disease conclusively. Therefore, this variant is classified as a Variant of Uncertain Significance.

Labcorp Genetics (formerly Invitae), Labcorp
Classification: Uncertain significance for Hereditary diffuse gastric adenocarcinoma. Last evaluated: 2023-04-18. Review status: criteria provided, single submitter. Criteria: Invitae Variant Classification Sherloc (09022015). Collection method: clinical testing. Allele origin: germline.
Comment: In summary, the available evidence is currently insufficient to determine the role of this variant in disease. Therefore, it has been classified as a Variant of Uncertain Significance. An algorithm developed to predict the effect of missense changes on protein structure and function (PolyPhen-2) suggests that this variant is likely to be tolerated. ClinVar contains an entry for this variant (Variation ID: 627933). This variant has not been reported in the literature in individuals affected with CDH1-related conditions. This variant is not present in population databases (gnomAD no frequency). This sequence change replaces asparagine, which is neutral and polar, with serine, which is neutral and polar, at codon 117 of the CDH1 protein (p.Asn117Ser).